The following is an entry in ClinVar:

ClinVar aggregate classification (germline): Likely benign (1 of 4 stars; one submission).

Submission:

CeGaT Center for Human Genetics Tuebingen
Classification: Likely benign. Last evaluated: 2022-11-01. Review status: criteria provided, single submitter. Criteria: CeGaT Center For Human Genetics Tuebingen Variant Classification Criteria Version 2. Collection method: clinical testing. Allele origin: germline. Affected: yes. Observed: 1 variant allele.
Comment: KCNQ1OT1: BS1

NM_000218.3(KCNQ1):c.1393+33491_1393+33494del

Genes: KCNQ1 (potassium voltage-gated channel subfamily Q member 1; plus strand), KCNQ1OT1 (KCNQ1 opposite strand/antisense transcript 1; minus strand). Cytogenetic location: 11p15.5.
Variant type: Deletion.
Coding change: c.1393+33491_1393+33494del on transcript NM_000218.3 (MANE Select); bases 33491 to 33494 of the intron after coding-DNA position 1393, 4 bases deleted (CTTT; older notation c.1393+33491_1393+33494delCTTT).
Molecular consequence: intron variant. On other transcripts: non-coding transcript variant (1).
Genome position (GRCh38, 1-based): chr11:2,622,345-2,622,348, CTTT deleted; deleting any 4 consecutive bases within chr11:2,622,342-2,622,348 gives the same sequence; the c. name uses the placement nearest the transcript's 3' end. VCF-style (leftmost placement, unchanged base first): chr11-2622341-ATTTC-A. GRCh37 (hg19) VCF-style: chr11-2643571-ATTTC-A.
Other names: c.1123+33491_1123+33494del (NM_001406837.1); c.1297+33491_1297+33494del (NM_001406836.1); c.853+33491_853+33494del (NM_001406838.1); c.1012+33491_1012+33494del (NM_181798.2).
Identifiers: ClinVar variation 2641387 (VCV002641387.24), dbSNP rs1263307478, ClinGen allele CA597432601.
Genomic context (GRCh38, chr11:2,622,341, plus strand): 5'-CATTTTCTCAGTATGTAATGTCCTCCTTTGTCTCCTATAACAATTTTTAAATTCAAGTTT[ATTTC>A]TTTTATTAGTATAATTACCTCCAGCTTTCTTTAGGTTACTATTTGTATGAAATATCATTT-3'